The following is an entry in ClinVar:

ClinVar aggregate classification (germline): Uncertain significance (1 of 4 stars; one submission).

Conditions:
Bethlem myopathy 1A. Also called: MYOPATHY, BENIGN CONGENITAL, WITH CONTRACTURES; Bethlem myopathy 1; Bethlem Muscular Dystrophy. Identifiers: Orphanet 610, MedGen CN029274, MONDO:0024530, OMIM 158810.

gnomAD v4.1: 2 of 1,612,432 alleles (0.00012%); highest among the groups gnomAD compares: Non-Finnish European, 0.00017%; no homozygotes.

Submission:

Labcorp Genetics (formerly Invitae), Labcorp
Classification: Uncertain significance for Bethlem myopathy 1A. Last evaluated: 2025-02-25. Review status: criteria provided, single submitter. Criteria: Invitae Variant Classification Sherloc (09022015). Collection method: clinical testing. Allele origin: germline.
Comment: This sequence change replaces glutamic acid, which is acidic and polar, with aspartic acid, which is acidic and polar, at codon 98 of the COL6A1 protein (p.Glu98Asp). This variant is not present in population databases (gnomAD no frequency). This variant has not been reported in the literature in individuals affected with COL6A1-related conditions. Invitae Evidence Modeling of protein sequence and biophysical properties (such as structural, functional, and spatial information, amino acid conservation, physicochemical variation, residue mobility, and thermodynamic stability) indicates that this missense variant is not expected to disrupt COL6A1 protein function with a negative predictive value of 95%. In summary, the available evidence is currently insufficient to determine the role of this variant in disease. Therefore, it has been classified as a Variant of Uncertain Significance.

NM_001848.3(COL6A1):c.294G>C (p.Glu98Asp)

Gene: COL6A1 (collagen type VI alpha 1 chain; plus strand). Cytogenetic location: 21q22.3.
Variant type: single nucleotide variant.
Coding change: c.294G>C on transcript NM_001848.3 (MANE Select); coding-DNA position 294, G replaced by C.
Protein change: p.Glu98Asp; replaces glutamic acid 98 with aspartic acid.
Molecular consequence: missense variant.
Genome position (GRCh38, 1-based): chr21:45,984,335, G>C. VCF-style: chr21-45984335-G-C. GRCh37 (hg19) VCF-style: chr21-47404249-G-C.
Other names: short protein forms E98D.
Identifiers: ClinVar variation 4708393 (VCV004708393.1).
Genomic context (GRCh38, chr21:45,984,335, plus strand): 5'-CCGCTGTGACCGAAACCTGGTGTGGAACGCAGGCGCGCTGCACTACAGTGACGAGGTGGA[G>C]ATCATCCAAGGCCTCACGCGCATGCCTGGCGGCCGCGACGCACTCAAAAGCAGCGTGGAC-3'
Protein context (NP_001839.2, residues 88-108): AGALHYSDEV[Glu98Asp]IIQGLTRMPG